The following is an entry in ClinVar:

NM_213655.5(WNK1):c.2743G>A (p.Asp915Asn)

Gene: WNK1 (WNK lysine deficient protein kinase 1; plus strand). Cytogenetic location: 12p13.33.
Variant type: single nucleotide variant.
Coding change: c.2743G>A on transcript NM_213655.5 (MANE Plus Clinical); coding-DNA position 2743, G replaced by A.
Protein change: p.Asp915Asn; replaces aspartic acid 915 with asparagine.
Molecular consequence: missense variant. On other transcripts: intron variant (2).
Genome position (GRCh38, 1-based): chr12:868,214, G>A. VCF-style: chr12-868214-G-A. GRCh37 (hg19) VCF-style: chr12-977380-G-A.
Other names: c.2488G>A, p.Asp830Asn (NM_001184985.2); c.2140-3051G>A (NM_018979.4, NM_014823.3); short protein forms D830N, D915N.
Identifiers: ClinVar variation 1708860 (VCV001708860.2), dbSNP rs2548787714, ClinGen allele CA383339527.

ClinVar aggregate classification (germline): Uncertain significance (1 of 4 stars; one submission).

Submission:

GeneDx
Classification: Uncertain significance. Last evaluated: 2022-02-24. Review status: criteria provided, single submitter. Criteria: GeneDx Variant Classification Process June 2021. Collection method: clinical testing. Allele origin: germline. Affected: yes.
Comment: Not observed at significant frequency in large population cohorts (gnomAD); In silico analysis supports that this missense variant does not alter protein structure/function; Has not been previously published as pathogenic or benign to our knowledge